The following is an entry in ClinVar:

NM_001457.4(FLNB):c.295A>G (p.Ser99Gly)

Gene: FLNB (filamin B; plus strand). Cytogenetic location: 3p14.3.
Variant type: single nucleotide variant.
Coding change: c.295A>G on transcript NM_001457.4 (MANE Select); coding-DNA position 295, A replaced by G.
Protein change: p.Ser99Gly; replaces serine 99 with glycine.
Molecular consequence: missense variant.
Genome position (GRCh38, 1-based): chr3:58,077,048, A>G. VCF-style: chr3-58077048-A-G. GRCh37 (hg19) VCF-style: chr3-58062775-A-G.
Other names: c.295A>G, p.Ser99Gly (NM_001164317.2, NM_001164318.2, NM_001164319.2); short protein forms S99G.
Identifiers: ClinVar variation 3713233 (VCV003713233.3).
Genomic context (GRCh38, chr3:58,077,048, plus strand): 5'-GCATAATTTACACTTGTGTAACCCAAAGGAATGACCAAGCCTGTGCTTCTCTCCCCAGAT[A>G]GCAAAGCCATTGTGGATGGGAACCTGAAGCTCATCTTGGGTCTGGTGTGGACGCTGATCC-3'
Protein context (NP_001448.2, residues 89-109): RESIKLVSID[Ser99Gly]KAIVDGNLKL

ClinVar aggregate classification (germline): Uncertain significance. Review status: criteria provided, multiple submitters, no conflicts (2 of 4 stars). 2 submissions from 2 submitters: Uncertain significance (2). Last evaluated 2024-11-21.

gnomAD v4.1: 100 of 1,614,146 alleles (0.0062%); highest among the groups gnomAD compares: Non-Finnish European, 0.00017%; no homozygotes.

Submissions (2):

Blueprint Genetics
Classification: Uncertain significance. Last evaluated: 2024-11-21. Review status: criteria provided, single submitter. Criteria: ACMG Guidelines, 2015. Collection method: clinical testing. Allele origin: germline.

Labcorp Genetics (formerly Invitae), Labcorp
Classification: Uncertain significance. Last evaluated: 2024-09-28. Review status: criteria provided, single submitter. Criteria: Invitae Variant Classification Sherloc (09022015). Collection method: clinical testing. Allele origin: germline.
Comment: This sequence change replaces serine, which is neutral and polar, with glycine, which is neutral and non-polar, at codon 99 of the FLNB protein (p.Ser99Gly). This variant is present in population databases (rs201852092, gnomAD 0.2%). This variant has not been reported in the literature in individuals affected with FLNB-related conditions. An algorithm developed to predict the effect of missense changes on protein structure and function (PolyPhen-2) suggests that this variant is likely to be disruptive. In summary, the available evidence is currently insufficient to determine the role of this variant in disease. Therefore, it has been classified as a Variant of Uncertain Significance.